The following is an entry in ClinVar:

ClinVar aggregate classification (germline): Uncertain significance (1 of 4 stars; one submission).

Submission:

Labcorp Genetics (formerly Invitae), Labcorp
Classification: Uncertain significance. Last evaluated: 2023-07-28. Review status: criteria provided, single submitter. Criteria: Invitae Variant Classification Sherloc (09022015). Collection method: clinical testing. Allele origin: unknown.
Comment: This variant has not been reported in the literature in individuals affected with PACS2-related conditions. This variant results in a copy number gain of the genomic region encompassing exon(s) 5-25 of the PACS2 gene. This region includes the termination codon of the gene. This copy number gain extends beyond the assayed region for this gene and therefore may encompass additional genes. As the precise location of this event is unknown, it may be in tandem or it may be located elsewhere in the genome. In summary, the available evidence is currently insufficient to determine the role of this variant in disease. Therefore, it has been classified as a Variant of Uncertain Significance.

NC_000014.8:g.(?_105833530)_(105861009_?)dup

Gene: PACS2 (phosphofurin acidic cluster sorting protein 2; plus strand). Cytogenetic location: 14q32.33.
Variant type: Duplication.
Identifiers: ClinVar variation 3244069 (VCV003244069.1).